The following is an entry in ClinVar:

NM_002661.5(PLCG2):c.1444T>C (p.Tyr482His)

Gene: PLCG2 (phospholipase C gamma 2; plus strand). Cytogenetic location: 16q23.3.
Variant type: single nucleotide variant.
Coding change: c.1444T>C on transcript NM_002661.5 (MANE Select); coding-DNA position 1444, T replaced by C.
Protein change: p.Tyr482His; replaces tyrosine 482 with histidine.
Molecular consequence: missense variant.
Genome position (GRCh38, 1-based): chr16:81,905,484, T>C. VCF-style: chr16-81905484-T-C. GRCh37 (hg19) VCF-style: chr16-81939089-T-C.
Other names: p.Tyr482His; short protein forms Y482H.
Identifiers: ClinVar variation 440158 (VCV000440158.61), dbSNP rs187956469, ClinGen allele CA8193757.

ClinVar aggregate classification (germline): Conflicting classifications of pathogenicity. Review status: criteria provided, conflicting classifications (1 of 4 stars). 10 submissions from 10 submitters: Uncertain significance (1); Benign (4); Likely benign (2). 3 of the submissions do not count toward it. Last evaluated 2026-07-01.

Conditions:
Familial cold autoinflammatory syndrome 3 (FCAS3). Also called: FAMILIAL ATYPICAL COLD URTICARIA; ANTIBODY DEFICIENCY AND IMMUNE DYSREGULATION, PLCG2-ASSOCIATED. Identifiers: Orphanet 300359, MedGen C3280914, MONDO:0013766, OMIM 614468.

Allele frequency attached by ClinVar (database versions not stated): 1000 Genomes Project 30x 0.00156; 1000 Genomes Project 0.00180; ExAC 0.00335; gnomAD 0.00337 and 0.00341; ESP Exome Variant Server 0.00344; gnomAD exomes 0.00360 and 0.00388; TOPMed 0.00362.
gnomAD v4.1: 6,249 of 1,613,982 alleles (0.39%); highest among the groups gnomAD compares: Middle Eastern, 0.68%; 25 homozygotes.

Submissions (10):

CeGaT Center for Human Genetics Tuebingen
Classification: Benign. Last evaluated: 2026-07-01. Review status: criteria provided, single submitter. Criteria: CeGaT Center For Human Genetics Tuebingen Variant Classification Criteria Version 2. Collection method: clinical testing. Allele origin: germline. Affected: yes. Observed: 19 variant alleles.
Comment: PLCG2: BS1, BS2

Labcorp Genetics (formerly Invitae), Labcorp
Classification: Benign for Familial cold autoinflammatory syndrome 3. Last evaluated: 2026-02-03. Review status: criteria provided, single submitter. Criteria: Invitae Variant Classification Sherloc (09022015). Collection method: clinical testing. Allele origin: germline.

Women's Health and Genetics/Laboratory Corporation of America, LabCorp
Classification: Likely benign. Last evaluated: 2026-01-22. Review status: criteria provided, single submitter. Criteria: LabCorp Variant Classification Summary - May 2015. Collection method: clinical testing. Allele origin: germline.

ARUP Laboratories, Molecular Genetics and Genomics, ARUP Laboratories
Classification: Benign. Last evaluated: 2024-12-19. Review status: criteria provided, single submitter. Criteria: ARUP Molecular Germline Variant Investigation Process 2024. Collection method: clinical testing. Allele origin: germline.

Blueprint Genetics
Classification: Likely benign. Last evaluated: 2024-11-26. Review status: criteria provided, single submitter. Criteria: ACMG Guidelines, 2015. Collection method: clinical testing. Allele origin: germline.

Mayo Clinic Laboratories, Mayo Clinic
Classification: Benign. Last evaluated: 2024-11-25. Review status: criteria provided, single submitter. Criteria: ACMG Guidelines, 2015. Collection method: clinical testing. Allele origin: germline. Observed: 18 variant alleles.
Comment: BS1, BP4

Institute for Clinical Genetics, University Hospital TU Dresden, University Hospital TU Dresden
Classification: Uncertain significance. Last evaluated: 2021-11-03. Review status: criteria provided, single submitter. Criteria: ACMG Guidelines, 2015. Collection method: clinical testing. Allele origin: germline.

Clinical Genetics DNA and cytogenetics Diagnostics Lab, Erasmus MC, Erasmus Medical Center
Classification: Likely benign. Review status: no assertion criteria provided. Collection method: clinical testing. Allele origin: germline. Affected: yes. Study: VKGL Data-share Consensus. Not counted in ClinVar's aggregate classification.

Genome Diagnostics Laboratory, University Medical Center Utrecht
Classification: Likely benign. Review status: no assertion criteria provided. Collection method: clinical testing. Allele origin: germline. Affected: yes. Study: VKGL Data-share Consensus. Not counted in ClinVar's aggregate classification.

Laboratory of Diagnostic Genome Analysis, Leiden University Medical Center (LUMC)
Classification: Likely benign. Review status: no assertion criteria provided. Collection method: clinical testing. Allele origin: germline. Affected: yes. Study: VKGL Data-share Consensus. Not counted in ClinVar's aggregate classification.